The following is an entry in ClinVar:

NM_003482.4(KMT2D):c.2419_2433del (p.Ser807_Glu811del)

Gene: KMT2D (lysine methyltransferase 2D; minus strand). Cytogenetic location: 12q13.12.
Variant type: Deletion.
Coding change: c.2419_2433del on transcript NM_003482.4 (MANE Select); coding-DNA positions 2419 to 2433, 15 bases deleted (TCCCCCCAGACTGAG).
Protein change: p.Ser807_Glu811del.
Genome position (GRCh38, 1-based): chr12:49,051,250-49,051,264, CTCAGTCTGGGGGGA deleted on the plus strand (TCCCCCCAGACTGAG on the coding strand, the reverse complement: KMT2D is on the minus strand); deleting any 15 consecutive bases within chr12:49,051,250-49,051,265 gives the same sequence; the c. name uses the placement nearest the transcript's 3' end. VCF-style (leftmost placement, unchanged base first): chr12-49051249-CCTCAGTCTGGGGGGA-C. GRCh37 (hg19) VCF-style: chr12-49445032-CCTCAGTCTGGGGGGA-C.
Identifiers: ClinVar variation 3723308 (VCV003723308.2).

ClinVar aggregate classification (germline): Uncertain significance (1 of 4 stars; one submission).

Conditions:
Kabuki syndrome. Also called: NIIKAWA-KUROKI SYNDROME; Kabuki make-up syndrome. Identifiers: Orphanet 2322, MedGen C0796004, MONDO:0016512.

Submission:

Labcorp Genetics (formerly Invitae), Labcorp
Classification: Uncertain significance for Kabuki syndrome. Last evaluated: 2024-10-20. Review status: criteria provided, single submitter. Criteria: Invitae Variant Classification Sherloc (09022015). Collection method: clinical testing. Allele origin: germline.
Comment: This variant, c.2419_2433del, results in the deletion of 5 amino acid(s) of the KMT2D protein (p.Ser807_Glu811del), but otherwise preserves the integrity of the reading frame. This variant is not present in population databases (gnomAD no frequency). This variant has not been reported in the literature in individuals affected with KMT2D-related conditions. Experimental studies and prediction algorithms are not available or were not evaluated, and the functional significance of this variant is currently unknown. In summary, the available evidence is currently insufficient to determine the role of this variant in disease. Therefore, it has been classified as a Variant of Uncertain Significance.